The following is an entry in ClinVar:

NM_007294.4(BRCA1):c.5327C>T (p.Pro1776Leu)

Gene: BRCA1 (BRCA1 DNA repair associated; minus strand). Cytogenetic location: 17q21.31.
Variant type: single nucleotide variant.
Coding change: c.5327C>T on transcript NM_007294.4 (MANE Select); coding-DNA position 5327, C replaced by T.
Protein change: p.Pro1776Leu; replaces proline 1776 with leucine.
Molecular consequence: missense variant. On other transcripts: non-coding transcript variant (1).
Genome position (GRCh38, 1-based): chr17:43,051,068, G>A on the plus strand (C>T on the coding strand, the complement: BRCA1 is on the minus strand). VCF-style: chr17-43051068-G-A. GRCh37 (hg19) VCF-style: chr17-41203085-G-A.
Other names: P1766L; p.P1776L:CCC>CTC; p.Pro1776Leu; 5446C>T; c.5204C>T, p.Pro1735Leu (NM_001407666.1, NM_001407667.1, NM_001407937.1 and 5 more transcripts); c.5201C>T, p.Pro1734Leu (NM_001407678.1, NM_001407679.1, NM_001407680.1 and 10 more transcripts); c.5198C>T, p.Pro1733Leu (NM_001407681.1, NM_001407682.1, NM_001407683.1 and 6 more transcripts); c.5186C>T, p.Pro1729Leu (NM_001407724.1, NM_001407725.1, NM_001407726.1 and 13 more transcripts); and 76 more; short protein forms P1776L, P1729L, P1797L, P672L, P1480L, P1648L, P1663L, P1665L.
Identifiers: ClinVar variation 91647 (VCV000091647.45), dbSNP rs398122695, ClinGen allele CA003479.

ClinVar aggregate classification (germline): Conflicting classifications of pathogenicity. Review status: criteria provided, conflicting classifications (1 of 4 stars). 14 submissions from 14 submitters: Uncertain significance (7); Likely benign (4). 3 of the submissions do not count toward it. Last evaluated 2026-05-05.

Conditions:
Hereditary cancer-predisposing syndrome. Also called: Hereditary Cancer Syndrome; Hereditary neoplastic syndrome; Neoplastic Syndromes, Hereditary; Tumor predisposition. Identifiers: Orphanet 140162, MedGen C0027672, MeSH D009386, MONDO:0015356.
Hereditary breast ovarian cancer syndrome. Also called: BRCA1- and BRCA2-Associated Hereditary Breast and Ovarian Cancer; Hereditary breast and ovarian cancer syndrome; Hereditary breast and ovarian cancer syndrome (HBOC); Breast and ovarian cancer; Hereditary breast and/or ovarian cancer syndrome; Hereditary breast and ovarian cancer. Identifiers: Orphanet 145, MedGen C0677776, MeSH D061325, MONDO:0003582. Disease mechanism: loss of function.
Breast-ovarian cancer, familial, susceptibility to, 1 (BROVCA1). Also called: BRCA1 Hereditary Breast and Ovarian Cancer; OVARIAN CANCER, SUSCEPTIBILITY TO. Identifiers: Orphanet 145, MedGen C2676676, MONDO:0011450, OMIM 604370. Disease mechanism: loss of function.
BRCA1-related cancer predisposition. Identifiers: MedGen CN377757, MONDO:0700268.
BRCA1-related disorder. Also called: BRCA1-related condition.

Allele frequency attached by ClinVar (database versions not stated): gnomAD exomes below 0.00001; ExAC 0.00001; gnomAD 0.00001; TOPMed 0.00001.
gnomAD v4.1: 5 of 1,613,824 alleles (0.00031%); highest among the groups gnomAD compares: East Asian, 0.0045%; no homozygotes.

Submissions 1 to 5 of 15:

Women's Health and Genetics/Laboratory Corporation of America, LabCorp
Classification: Likely benign. Last evaluated: 2026-05-05. Review status: criteria provided, single submitter. Criteria: LabCorp Variant Classification Summary - May 2015. Collection method: clinical testing. Allele origin: germline.
Comment: Variant summary: BRCA1 c.5327C>T (p.Pro1776Leu) results in a non-conservative amino acid change located in the BRCT domain (IPR001357) of the encoded protein sequence. Algorithms developed to predict the effect of missense changes on protein structure and function all suggest that this variant is likely to be disruptive. The variant allele was found at a frequency of 4e-06 in 251374 control chromosomes. The available data on variant occurrences in the general population are insufficient to allow any conclusion about variant significance. c.5327C>T has been reported as a VUS in the literature in at-least one Japanese woman affected with Breast Cancer but not in 11,241 Japanese female controls, and was also found in in 3/12,490 Japanese male controls (Momozawa_2018). This report does not provide unequivocal conclusions about association of the variant with Hereditary Breast And Ovarian Cancer Syndrome. At least one functional study reports experimental evidence evaluating an impact on protein function and showed no damaging effect of this variant on homology directed repair (HDR) activity (e.g. Findlay_2018). HDR assays qualify as a recognized gold standard on the basis of updated guidance provided by the ClinGen Sequence Variant Interpretation (SVI) working group. The following publications have been ascertained in the context of this evaluation (PMID: 30765603, 30209399, 30287823). ClinVar contains an entry for this variant (Variation ID: 91647). Based on the evidence outlined above, the variant was classified as likely benign.

Labcorp Genetics (formerly Invitae), Labcorp
Classification: Uncertain significance for Hereditary breast ovarian cancer syndrome. Last evaluated: 2025-08-02. Review status: criteria provided, single submitter. Criteria: Invitae Variant Classification Sherloc (09022015). Collection method: clinical testing. Allele origin: germline.
Comment: This sequence change replaces proline, which is neutral and non-polar, with leucine, which is neutral and non-polar, at codon 1776 of the BRCA1 protein (p.Pro1776Leu). This variant is present in population databases (rs398122695, gnomAD 0.007%). This missense change has been observed in individual(s) with breast cancer (PMID: 30287823). ClinVar contains an entry for this variant (Variation ID: 91647). Invitae Evidence Modeling incorporating data from in vitro experimental studies (PMID: 30209399) indicates that this missense variant is not expected to disrupt BRCA1 function with a negative predictive value of 95%. Experimental studies have shown that this missense change does not substantially affect BRCA1 function (PMID: 30209399, 30765603). In summary, the available evidence is currently insufficient to determine the role of this variant in disease. Therefore, it has been classified as a Variant of Uncertain Significance.

Mayo Clinic Laboratories, Mayo Clinic
Classification: Likely benign. Last evaluated: 2025-05-05. Review status: criteria provided, single submitter. Criteria: ACMG Guidelines, 2015. Collection method: clinical testing. Allele origin: germline. Observed: 1 variant allele.
Comment: BS3

Quest Diagnostics Nichols Institute San Juan Capistrano
Classification: Uncertain significance. Last evaluated: 2025-05-05. Review status: criteria provided, single submitter. Criteria: Quest Diagnostics criteria. Collection method: clinical testing. Allele origin: unknown.
Comment: The BRCA1 c.5327C>T (p.Pro1776Leu) variant has been reported in the published literature in an individual with breast cancer (PMID: 30287823 (2018)), as well as in reportedly unaffected individuals in breast (PMID: 30287823 (2018)), biliary tract (PMID: 36243179 (2022)), and prostate cancer studies (PMID: 31214711 (2020)). Assessment of experimental evidence suggests that this variant does not disrupt normal protein function (PMIDs: 30209399 (2018), 30765603 (2019)). The frequency of this variant in the general population (Genome Aggregation Database) is uninformative in the assessment of its pathogenicity. Analysis of this variant using bioinformatics tools for the prediction of the effect of amino acid changes on protein structure and function yielded predictions that this variant is benign. Based on the available information, we are unable to determine the clinical significance of this variant.

All of Us Research Program, National Institutes of Health
Classification: Uncertain significance for BRCA1-related cancer predisposition. Last evaluated: 2024-06-09. Review status: criteria provided, single submitter. Criteria: ACMG Guidelines, 2015. Collection method: clinical testing. Allele origin: germline. Inheritance: Autosomal dominant inheritance. Observed: 4 variant alleles, 4 heterozygotes.
Comment: This missense variant replaces proline with leucine at codon 1776 of the BRCA1 protein. Computational prediction is inconclusive regarding the impact of this variant on protein structure and function (internally defined REVEL score threshold 0.5 < inconclusive < 0.7, PMID: 27666373). A function study reported that this variant does not impact BRCA1 function and has no significant impact on RNA abundance in a haploid human cell proliferation assay (PMID: 30209399). This variant has been reported in a breast cancer case-control study in 1/7051 female breast cancer cases and absent in 11241 unaffected individuals (PMID: 30287823). This variant also has been reported in a pancreatic cancer and a prostate cancer case-control study in which it was reported to be absent in cancer cases and found in three unaffected individuals (PMID: 31214711, 32980694). This variant has been identified in 1/251374 chromosomes in the general population by the Genome Aggregation Database (gnomAD). The available evidence is insufficient to determine the role of this variant in disease conclusively. Therefore, this variant is classified as a Variant of Uncertain Significance.

This study involves interpretation of variants in research participants for the purpose of population health screening. Participant phenotype was not available at the time of variant classification. Additional details can be found in publication PMID: 35346344, PMCID: PMC8962531